The following is an entry in ClinVar:

ClinVar aggregate classification (germline): Uncertain significance (1 of 4 stars; one submission).

Conditions:
GRHL3-related disorder. Also called: GRHL3-related condition.

Allele frequency attached by ClinVar (database versions not stated): gnomAD 0.00001; TOPMed 0.00001.
gnomAD v4.1: 2 of 1,614,000 alleles (0.00012%); highest among the groups gnomAD compares: Non-Finnish European, 0.00017%; no homozygotes.

Submission:

PreventionGenetics, part of Exact Sciences
Classification: Uncertain significance for GRHL3-related condition. Last evaluated: 2023-08-15. Review status: criteria provided, single submitter. Criteria: ACMG Guidelines, 2015. Collection method: clinical testing. Allele origin: germline.
Comment: The GRHL3 c.1392C>A variant is predicted to result in the amino acid substitution p.His464Gln. To our knowledge, this variant has not been reported in the literature or in a large population database, indicating this variant is rare. At this time, the clinical significance of this variant is uncertain due to the absence of conclusive functional and genetic evidence.

NM_198173.3(GRHL3):c.1392C>A (p.His464Gln)

Gene: GRHL3 (grainyhead like transcription factor 3; plus strand). Cytogenetic location: 1p36.11.
Variant type: single nucleotide variant.
Coding change: c.1392C>A on transcript NM_198173.3 (MANE Select); coding-DNA position 1392, C replaced by A.
Protein change: p.His464Gln; replaces histidine 464 with glutamine.
Molecular consequence: missense variant.
Genome position (GRCh38, 1-based): chr1:24,342,998, C>A. VCF-style: chr1-24342998-C-A. GRCh37 (hg19) VCF-style: chr1-24669488-C-A.
Other names: c.1254C>A, p.His418Gln (NM_001195010.2); c.1407C>A, p.His469Gln (NM_021180.4); c.1392C>A, p.His464Gln (NM_198174.3); short protein forms H418Q, H464Q, H469Q.
Identifiers: ClinVar variation 2628968 (VCV002628968.1), dbSNP rs1352393187, ClinGen allele CA339048739.
Genomic context (GRCh38, chr1:24,342,998, plus strand): 5'-CTACCTTCGGCCAGAGACTGACCTGGAGACGCCACCCGTGCTGTTCATCCCCAATGTGCA[C>A]TTCTCCAGCCTGCAGCGCTCTGGAGGGGTGAGGCCAGGGCTGGGGTCTCGGGAAGGAGCC-3'
Protein context (NP_937816.1, residues 454-474): TPPVLFIPNV[His464Gln]FSSLQRSGGA